The following is an entry in ClinVar:

NM_144997.7(FLCN):c.181C>G (p.His61Asp)

Gene: FLCN (folliculin; minus strand). Cytogenetic location: 17p11.2.
Variant type: single nucleotide variant.
Coding change: c.181C>G on transcript NM_144997.7 (MANE Select); coding-DNA position 181, C replaced by G.
Protein change: p.His61Asp; replaces histidine 61 with aspartic acid.
Molecular consequence: missense variant.
Genome position (GRCh38, 1-based): chr17:17,227,957, G>C on the plus strand (C>G on the coding strand, the complement: FLCN is on the minus strand). VCF-style: chr17-17227957-G-C. GRCh37 (hg19) VCF-style: chr17-17131271-G-C.
Other names: c.181C>G, p.His61Asp (NM_001353229.2, NM_001353230.2, NM_001353231.2 and 1 more transcripts); short protein forms H61D.
Identifiers: ClinVar variation 1321080 (VCV001321080.16), dbSNP rs758156813, ClinGen allele CA8416504.

ClinVar aggregate classification (germline): Uncertain significance. Review status: criteria provided, multiple submitters, no conflicts (2 of 4 stars). 3 submissions from 3 submitters: Uncertain significance (3). Last evaluated 2025-12-08.

Conditions:
Hereditary cancer-predisposing syndrome. Also called: Neoplastic Syndromes, Hereditary; Hereditary Cancer Syndrome; Tumor predisposition; Hereditary neoplastic syndrome. Identifiers: Orphanet 140162, MedGen C0027672, MeSH D009386, MONDO:0015356.
Birt-Hogg-Dube syndrome. Also called: Birt Hogg Dubé syndrome. Identifiers: Orphanet 122, MedGen C0346010, MONDO:0800444.

Allele frequency attached by ClinVar (database versions not stated): TOPMed below 0.00001; ExAC 0.00001; gnomAD 0.00001.
gnomAD v4.1: 3 of 1,614,062 alleles (0.00019%); highest among the groups gnomAD compares: African/African-American, 0.0027%; no homozygotes.

Submissions (3):

Ambry Genetics
Classification: Uncertain significance for Hereditary cancer-predisposing syndrome. Last evaluated: 2025-12-08. Review status: criteria provided, single submitter. Criteria: Ambry Variant Classification Scheme 2023. Collection method: clinical testing. Allele origin: germline.
Comment: The p.H61D variant (also known as c.181C>G), located in coding exon 1 of the FLCN gene, results from a C to G substitution at nucleotide position 181. The histidine at codon 61 is replaced by aspartic acid, an amino acid with similar properties. This amino acid position is highly conserved in available vertebrate species. In addition, the in silico prediction for this alteration is inconclusive. Based on the available evidence, the clinical significance of this variant remains unclear.

Labcorp Genetics (formerly Invitae), Labcorp
Classification: Uncertain significance for Birt-Hogg-Dube syndrome. Last evaluated: 2025-08-07. Review status: criteria provided, single submitter. Criteria: Invitae Variant Classification Sherloc (09022015). Collection method: clinical testing. Allele origin: germline.
Comment: This sequence change replaces histidine, which is basic and polar, with aspartic acid, which is acidic and polar, at codon 61 of the FLCN protein (p.His61Asp). This variant is present in population databases (rs758156813, gnomAD 0.007%). This variant has not been reported in the literature in individuals affected with FLCN-related conditions. ClinVar contains an entry for this variant (Variation ID: 1321080). Invitae Evidence Modeling of protein sequence and biophysical properties (such as structural, functional, and spatial information, amino acid conservation, physicochemical variation, residue mobility, and thermodynamic stability) indicates that this missense variant is not expected to disrupt FLCN protein function with a negative predictive value of 80%. In summary, the available evidence is currently insufficient to determine the role of this variant in disease. Therefore, it has been classified as a Variant of Uncertain Significance.

GeneDx
Classification: Uncertain significance. Last evaluated: 2020-11-30. Review status: criteria provided, single submitter. Criteria: GeneDx Variant Classification Process June 2021. Collection method: clinical testing. Allele origin: germline. Affected: yes.
Comment: Not observed at a significant frequency in large population cohorts (Lek et al., 2016); In silico analysis supports that this missense variant does not alter protein structure/function; Has not been previously published as pathogenic or benign to our knowledge